The following is an entry in ClinVar:

NM_207111.4(RNF216):c.230A>G (p.Asn77Ser)

Gene: RNF216 (ring finger protein 216; minus strand). Cytogenetic location: 7p22.1.
Variant type: single nucleotide variant.
Coding change: c.230A>G on transcript NM_207111.4 (MANE Select); coding-DNA position 230, A replaced by G.
Protein change: p.Asn77Ser; replaces asparagine 77 with serine.
Molecular consequence: missense variant. On other transcripts: intron variant (2).
Genome position (GRCh38, 1-based): chr7:5,741,787, T>C on the plus strand (A>G on the coding strand, the complement: RNF216 is on the minus strand). VCF-style: chr7-5741787-T-C. GRCh37 (hg19) VCF-style: chr7-5781418-T-C.
Other names: p.Asn77Ser; c.230A>G (NM_207111.3); c.202-143A>G (NM_207116.3, NM_001377156.1); short protein forms N77S.
Identifiers: ClinVar variation 1405199 (VCV001405199.7), dbSNP rs761147492, ClinGen allele CA4148588.

ClinVar aggregate classification (germline): Uncertain significance. Review status: criteria provided, multiple submitters, no conflicts (2 of 4 stars). 3 submissions from 3 submitters: Uncertain significance (3). Last evaluated 2025-01-31.

Conditions:
Inborn genetic diseases. Identifiers: MedGen C0950123, MeSH D030342.

Allele frequency attached by ClinVar (database versions not stated): gnomAD exomes 0.00009; ExAC 0.00008; gnomAD 0.00022 and 0.00019; TOPMed 0.00026.
gnomAD v4.1: 147 of 1,612,708 alleles (0.0091%); highest among the groups gnomAD compares: Admixed American, 0.055%; no homozygotes.

Submissions (3):

Mayo Clinic Laboratories, Mayo Clinic
Classification: Uncertain significance. Last evaluated: 2025-01-31. Review status: criteria provided, single submitter. Criteria: ACMG Guidelines, 2015. Collection method: clinical testing. Allele origin: germline. Observed: 1 variant allele.
Comment: BP4

Ambry Genetics
Classification: Uncertain significance for Inborn genetic diseases. Last evaluated: 2023-10-30. Review status: criteria provided, single submitter. Criteria: Ambry Variant Classification Scheme 2023. Collection method: clinical testing. Allele origin: germline.

Labcorp Genetics (formerly Invitae), Labcorp
Classification: Uncertain significance. Last evaluated: 2023-08-17. Review status: criteria provided, single submitter. Criteria: Invitae Variant Classification Sherloc (09022015). Collection method: clinical testing. Allele origin: germline.
Comment: ClinVar contains an entry for this variant (Variation ID: 1405199). This variant has not been reported in the literature in individuals affected with RNF216-related conditions. This variant is present in population databases (rs761147492, gnomAD 0.02%). This sequence change replaces asparagine, which is neutral and polar, with serine, which is neutral and polar, at codon 77 of the RNF216 protein (p.Asn77Ser). An algorithm developed to predict the effect of missense changes on protein structure and function (PolyPhen-2) suggests that this variant¬†is likely to be tolerated. In summary, the available evidence is currently insufficient to determine the role of this variant in disease. Therefore, it has been classified as a Variant of Uncertain Significance.